The following is an entry in ClinVar:

NM_000138.5(FBN1):c.4337-48T>A

Gene: FBN1 (fibrillin 1; minus strand). Cytogenetic location: 15q21.1.
Variant type: single nucleotide variant.
Coding change: c.4337-48T>A on transcript NM_000138.5 (MANE Select); 48 bases into the intron before coding-DNA position 4337, T replaced by A.
Molecular consequence: intron variant.
Genome position (GRCh38, 1-based): chr15:48,470,804, A>T on the plus strand (T>A on the coding strand, the complement: FBN1 is on the minus strand). VCF-style: chr15-48470804-A-T. GRCh37 (hg19) VCF-style: chr15-48763001-A-T.
Other names: c.4337-48T>A (NM_000138.4).
Identifiers: ClinVar variation 1879294 (VCV001879294.30), dbSNP rs374554047, ClinGen allele CA052675.

ClinVar aggregate classification (germline): Benign. Review status: criteria provided, single submitter (1 of 4 stars). 2 submissions from 2 submitters: Benign (1). 1 of the submissions does not count toward it. Last evaluated 2022-10-01.

Conditions:
FBN1-related disorder. Also called: FBN1-related disorders.

Allele frequency attached by ClinVar (database versions not stated): gnomAD exomes 0.00002; ExAC 0.00012; gnomAD 0.00031; TOPMed 0.00031.
gnomAD v4.1: 88 of 1,582,122 alleles (0.0056%); highest among the groups gnomAD compares: African/African-American, 0.096%; no homozygotes.

Submissions (2):

CeGaT Center for Human Genetics Tuebingen
Classification: Benign. Last evaluated: 2022-10-01. Review status: criteria provided, single submitter. Criteria: CeGaT Center For Human Genetics Tuebingen Variant Classification Criteria Version 2. Collection method: clinical testing. Allele origin: germline. Affected: yes. Observed: 2 variant alleles.
Comment: FBN1: BS1, BS2

PreventionGenetics, part of Exact Sciences
Classification: Likely benign for FBN1-related condition. Last evaluated: 2023-12-04. Review status: no assertion criteria provided. Collection method: clinical testing. Allele origin: germline. Not counted in ClinVar's aggregate classification.
Comment: This variant is classified as likely benign based on ACMG/AMP sequence variant interpretation guidelines (Richards et al. 2015 PMID: 25741868, with internal and published modifications).